The following is an entry in ClinVar:

NM_000093.5(COL5A1):c.2986C>G (p.Pro996Ala)

Gene: COL5A1 (collagen type V alpha 1 chain; plus strand). Cytogenetic location: 9q34.3.
Variant type: single nucleotide variant.
Coding change: c.2986C>G on transcript NM_000093.5 (MANE Select); coding-DNA position 2986, C replaced by G.
Protein change: p.Pro996Ala; replaces proline 996 with alanine.
Molecular consequence: missense variant.
Genome position (GRCh38, 1-based): chr9:134,801,987, C>G. VCF-style: chr9-134801987-C-G. GRCh37 (hg19) VCF-style: chr9-137693833-C-G.
Other names: c.2986C>G, p.Pro996Ala (NM_001278074.1); short protein forms P996A.
Identifiers: ClinVar variation 1365179 (VCV001365179.32), dbSNP rs774351619, ClinGen allele CA375447668.
Genomic context (GRCh38, chr9:134,801,987, plus strand): 5'-GTCAGTGCAGTGACTCTCTCTTCACAGGGTTTCCAAGGCAAGACCGGCCCTCCAGGCCCC[C>G]CCGGCGTGGTCGGCCCTCAGGTAAGCTCCAGCCTTCCCAGATTCCATGGGTCACTCGGTG-3'
Protein context (NP_000084.3, residues 986-1006): FQGKTGPPGP[Pro996Ala]GVVGPQGPTG

ClinVar aggregate classification (germline): Uncertain significance. Review status: criteria provided, multiple submitters, no conflicts (2 of 4 stars). 2 submissions from 2 submitters: Uncertain significance (2). Last evaluated 2023-08-11.

Conditions:
Ehlers-Danlos syndrome, classic type, 1 (EDSCL1). Also called: EHLERS-DANLOS SYNDROME, GRAVIS TYPE; EHLERS-DANLOS SYNDROME, SEVERE CLASSIC TYPE; Ehlers-Danlos Syndrome, Classic Type, COL5A1-Related; Ehlers-Danlos syndrome, type 1; EDS I. Identifiers: MedGen C0268335, MONDO:0019567, OMIM 130000.

gnomAD v4.1: 11 of 1,613,440 alleles (0.00068%); highest among the groups gnomAD compares: Non-Finnish European, 0.00093%; no homozygotes.

Submissions (2):

Labcorp Genetics (formerly Invitae), Labcorp
Classification: Uncertain significance for Ehlers-Danlos syndrome, classic type, 1. Last evaluated: 2023-08-11. Review status: criteria provided, single submitter. Criteria: Invitae Variant Classification Sherloc (09022015). Collection method: clinical testing. Allele origin: germline.
Comment: In summary, the available evidence is currently insufficient to determine the role of this variant in disease. Therefore, it has been classified as a Variant of Uncertain Significance. Advanced modeling of protein sequence and biophysical properties (such as structural, functional, and spatial information, amino acid conservation, physicochemical variation, residue mobility, and thermodynamic stability) performed at Invitae indicates that this missense variant is not expected to disrupt COL5A1 protein function. ClinVar contains an entry for this variant (Variation ID: 1365179). This variant has not been reported in the literature in individuals affected with COL5A1-related conditions. This variant is not present in population databases (gnomAD no frequency). This sequence change replaces proline, which is neutral and non-polar, with alanine, which is neutral and non-polar, at codon 996 of the COL5A1 protein (p.Pro996Ala).

CeGaT Center for Human Genetics Tuebingen
Classification: Uncertain significance. Last evaluated: 2022-09-01. Review status: criteria provided, single submitter. Criteria: CeGaT Center For Human Genetics Tuebingen Variant Classification Criteria Version 2. Collection method: clinical testing. Allele origin: germline. Affected: yes. Observed: 1 variant allele.
Comment: COL5A1: PM2